The following is an entry in ClinVar:

ClinVar aggregate classification (germline): Pathogenic (3 of 4 stars; one submission).

Conditions:
Breast-ovarian cancer, familial, susceptibility to, 2 (BROVCA2). Also called: BRCA2 Hereditary Breast and Ovarian Cancer. Identifiers: Orphanet 145, MedGen C2675520, MONDO:0012933, OMIM 612555. Disease mechanism: loss of function.

Submission:

Evidence-based Network for the Interpretation of Germline Mutant Alleles (ENIGMA)
Classification: Pathogenic for Breast-ovarian cancer, familial, susceptibility to, 2. Last evaluated: 2017-12-15. Review status: reviewed by expert panel. Criteria: ENIGMA BRCA1/2 Classification Criteria (2017-06-29). Collection method: curation. Allele origin: germline. Study: ENIGMA.
Comment: Variant allele predicted to encode a truncated non-functional protein.

NM_000059.4(BRCA2):c.1760del (p.Thr587fs)

Gene: BRCA2 (BRCA2 DNA repair associated; plus strand). Cytogenetic location: 13q13.1.
Variant type: Deletion.
Coding change: c.1760del on transcript NM_000059.4 (MANE Select); coding-DNA position 1760, one base deleted (C; older notation c.1760delC).
Protein change: p.Thr587fs; shifts the reading frame from threonine 587.
Molecular consequence: frameshift variant.
Genome position (GRCh38, 1-based): chr13:32,333,238, C deleted. VCF-style (leftmost placement, unchanged base first): chr13-32333237-AC-A. GRCh37 (hg19) VCF-style: chr13-32907374-AC-A.
Other names: c.1760delC (NM_000059.3); short protein forms T587fs.
Identifiers: ClinVar variation 548389 (VCV000548389.3), dbSNP rs1555282054, ClinGen allele CA658823582.